The following is an entry in ClinVar:

ClinVar aggregate classification (germline): Likely benign (0 of 4 stars; one submission).

Conditions:
ATP2C2-related disorder. Also called: ATP2C2-related condition.

Allele frequency attached by ClinVar (database versions not stated): ESP Exome Variant Server 0.00016; 1000 Genomes Project 30x 0.00141; 1000 Genomes Project 0.00160.
gnomAD v4.1: 262 of 1,613,794 alleles (0.016%); highest among the groups gnomAD compares: East Asian, 0.41%; 4 homozygotes.

Submission:

PreventionGenetics, part of Exact Sciences
Classification: Likely benign for ATP2C2-related condition. Last evaluated: 2019-04-25. Review status: no assertion criteria provided. Collection method: clinical testing. Allele origin: germline.
Comment: This variant is classified as likely benign based on ACMG/AMP sequence variant interpretation guidelines (Richards et al. 2015 PMID: 25741868, with internal and published modifications).

NM_014861.4(ATP2C2):c.2601C>T (p.Ile867=)

Genes: ATP2C2 (ATPase secretory pathway Ca2+ transporting 2; plus strand), ATP2C2-AS1 (ATP2C2 antisense RNA 1; minus strand), LOC126862427 (CDK7 strongly-dependent group 2 enhancer GRCh37_chr16:84494562-84495761; plus strand). Cytogenetic location: 16q24.1.
Variant type: single nucleotide variant.
Coding change: c.2601C>T on transcript NM_014861.4 (MANE Select); coding-DNA position 2601, C replaced by T.
Protein change: p.Ile867=; no amino-acid change (isoleucine 867 retained).
Molecular consequence: synonymous variant. On other transcripts: non-coding transcript variant (1).
Genome position (GRCh38, 1-based): chr16:84,462,008, C>T. VCF-style: chr16-84462008-C-T. GRCh37 (hg19) VCF-style: chr16-84495614-C-T.
Other names: c.2688C>T, p.Ile896= (NM_001286527.3); c.2148C>T, p.Ile716= (NM_001291454.2).
Identifiers: ClinVar variation 3048454 (VCV003048454.2), dbSNP rs189376627, ClinGen allele CA8208577.
Genomic context (GRCh38, chr16:84,462,008, plus strand): 5'-TGGACAGCACACAATCCCCCGTGTGACCTTCTCCCTGCAGACCAAGCTGATATTTGAGAT[C>T]GGCTTTCTCAGGAACCACATGTTCCTCTACTCCGTCCTGGGGTCCATCCTGGGGCAGCTG-3'
Protein context (NP_055676.3, residues 857-877): CRSQTKLIFE[Ile867=]GFLRNHMFLY